The following is an entry in ClinVar:

ClinVar aggregate classification (germline): Likely benign. Review status: criteria provided, multiple submitters, no conflicts (2 of 4 stars). 2 submissions from 2 submitters: Likely benign (2). Last evaluated 2018-06-16.

Allele frequency attached by ClinVar (database versions not stated): gnomAD exomes 0.00086; gnomAD 0.00801 and 0.00877; 1000 Genomes Project 0.00958; 1000 Genomes Project 30x 0.01015.
gnomAD v4.1: 2,506 of 1,601,554 alleles (0.16%); highest among the groups gnomAD compares: African/African-American, 2.9%; 33 homozygotes.

Submissions (2):

GeneDx
Classification: Likely benign. Last evaluated: 2018-06-16. Review status: criteria provided, single submitter. Criteria: GeneDx Variant Classification (06012015). Collection method: clinical testing. Allele origin: germline. Affected: yes.
Comment: This variant is considered likely benign or benign based on one or more of the following criteria: it is a conservative change, it occurs at a poorly conserved position in the protein, it is predicted to be benign by multiple in silico algorithms, and/or has population frequency not consistent with disease.

Breakthrough Genomics
Classification: Likely benign. Review status: criteria provided, single submitter. Criteria: ACMG Guidelines, 2015. Collection method: not provided. Allele origin: germline. Inheritance: Autosomal dominant inheritance. Affected: yes.

NM_001376.5(DYNC1H1):c.13007-64C>T

Gene: DYNC1H1 (dynein cytoplasmic 1 heavy chain 1; plus strand). Cytogenetic location: 14q32.31.
Variant type: single nucleotide variant.
Coding change: c.13007-64C>T on transcript NM_001376.5 (MANE Select); 64 bases into the intron before coding-DNA position 13007, C replaced by T.
Molecular consequence: intron variant.
Genome position (GRCh38, 1-based): chr14:102,047,753, C>T. VCF-style: chr14-102047753-C-T. GRCh37 (hg19) VCF-style: chr14-102514090-C-T.
Identifiers: ClinVar variation 678360 (VCV000678360.2), dbSNP rs74081916, ClinGen allele CA266984851.